The following is an entry in ClinVar:

NM_203285.2(NECTIN1):c.1156G>A (p.Asp386Asn)

Gene: NECTIN1 (nectin cell adhesion molecule 1; minus strand). Cytogenetic location: 11q23.3.
Variant type: single nucleotide variant.
Coding change: c.1156G>A on transcript NM_203285.2; coding-DNA position 1156, G replaced by A.
Protein change: p.Asp386Asn; replaces aspartic acid 386 with asparagine.
Molecular consequence: missense variant.
Genome position (GRCh38, 1-based): chr11:119,638,802, C>T on the plus strand (G>A on the coding strand, the complement: NECTIN1 is on the minus strand). VCF-style: chr11-119638802-C-T. GRCh37 (hg19) VCF-style: chr11-119509512-C-T.
Other names: short protein forms D386N.
Identifiers: ClinVar variation 3905253 (VCV003905253.11).
Genomic context (GRCh38, chr11:119,638,802, plus strand): 5'-CAGGCACAAGGGAGCTTTGCCTGCTGGGAGAAGGCTCCGGCTTCTGGGAGAGGGGCTGGT[C>T]GGTCCTGGAGACAGAATGAGGGTAAGCTCAGCACAGGAGCACACATGGGGGCTCTCCCCA-3'

ClinVar aggregate classification (germline): Likely benign. Review status: criteria provided, multiple submitters, no conflicts (2 of 4 stars). 2 submissions from 2 submitters: Likely benign (2). Last evaluated 2025-05-01.

Conditions:
NECTIN1-related disorder. Also called: NECTIN1-related condition.

gnomAD v4.1: 553 of 1,613,592 alleles (0.034%); highest among the groups gnomAD compares: African/African-American, 0.47%; 4 homozygotes.

Submissions (2):

CeGaT Center for Human Genetics Tuebingen
Classification: Likely benign. Last evaluated: 2025-05-01. Review status: criteria provided, single submitter. Criteria: CeGaT Center For Human Genetics Tuebingen Variant Classification Criteria Version 2. Collection method: clinical testing. Allele origin: germline. Affected: yes. Observed: 1 variant allele.
Comment: NECTIN1: BP4

PreventionGenetics, part of Exact Sciences
Classification: Likely benign for NECTIN1-related condition. Last evaluated: 2025-01-16. Review status: criteria provided, single submitter. Criteria: ACMG Guidelines, 2015. Collection method: clinical testing. Allele origin: germline.
Comment: This variant is classified as likely benign based on ACMG/AMP sequence variant interpretation guidelines (Richards et al. 2015 PMID: 25741868, with internal and published modifications).